The following is an entry in ClinVar:

ClinVar aggregate classification (germline): Uncertain significance. Review status: criteria provided, multiple submitters, no conflicts (2 of 4 stars). 3 submissions from 3 submitters: Uncertain significance (3). Last evaluated 2026-01-05.

Conditions:
Combined immunodeficiency due to LRBA deficiency. Also called: Common variable immunodeficiency 8, with autoimmunity. Identifiers: Orphanet 445018, MedGen C3553512, MONDO:0013863, OMIM 614700.

Allele frequency attached by ClinVar (database versions not stated): gnomAD 0.00002; gnomAD exomes 0.00002; ExAC 0.00004; TOPMed 0.00005.
gnomAD v4.1: 20 of 1,613,880 alleles (0.0012%); highest among the groups gnomAD compares: East Asian, 0.013%; no homozygotes.

Submissions (3):

Labcorp Genetics (formerly Invitae), Labcorp
Classification: Uncertain significance for Combined immunodeficiency due to LRBA deficiency. Last evaluated: 2026-01-05. Review status: criteria provided, single submitter. Criteria: Invitae Variant Classification Sherloc (09022015). Collection method: clinical testing. Allele origin: germline.
Comment: This sequence change replaces arginine, which is basic and polar, with histidine, which is basic and polar, at codon 1981 of the LRBA protein (p.Arg1981His). This variant is present in population databases (rs780262611, gnomAD 0.04%). This variant has not been reported in the literature in individuals affected with LRBA-related conditions. ClinVar contains an entry for this variant (Variation ID: 579451). Invitae Evidence Modeling of protein sequence and biophysical properties (such as structural, functional, and spatial information, amino acid conservation, physicochemical variation, residue mobility, and thermodynamic stability) has been performed for this missense variant. However, the output from this modeling did not meet the statistical confidence thresholds required to predict the impact of this variant on LRBA protein function. In summary, the available evidence is currently insufficient to determine the role of this variant in disease. Therefore, it has been classified as a Variant of Uncertain Significance.

Blueprint Genetics
Classification: Uncertain significance. Last evaluated: 2022-08-11. Review status: criteria provided, single submitter. Criteria: ACMG Guidelines, 2015. Collection method: clinical testing. Allele origin: germline.

Fulgent Genetics
Classification: Uncertain significance for Combined immunodeficiency due to LRBA deficiency. Last evaluated: 2021-10-26. Review status: criteria provided, single submitter. Criteria: ACMG Guidelines, 2015. Collection method: clinical testing. Allele origin: unknown.

NM_001364905.1(LRBA):c.5942G>A (p.Arg1981His)

Gene: LRBA (LPS responsive beige-like anchor protein; minus strand). Cytogenetic location: 4q31.3.
Variant type: single nucleotide variant.
Coding change: c.5942G>A on transcript NM_001364905.1 (MANE Select); coding-DNA position 5942, G replaced by A.
Protein change: p.Arg1981His; replaces arginine 1981 with histidine.
Molecular consequence: missense variant.
Genome position (GRCh38, 1-based): chr4:150,599,111, C>T on the plus strand (G>A on the coding strand, the complement: LRBA is on the minus strand). VCF-style: chr4-150599111-C-T. GRCh37 (hg19) VCF-style: chr4-151520263-C-T.
Other names: c.5942G>A, p.Arg1981His (NM_001199282.3, NM_001367550.1, NM_006726.5); short protein forms R1981H.
Identifiers: ClinVar variation 579451 (VCV000579451.9), dbSNP rs780262611, ClinGen allele CA3102293.